The following is an entry in ClinVar:

ClinVar aggregate classification (germline): Uncertain significance (1 of 4 stars; one submission).

Submission:

GeneDx
Classification: Uncertain significance. Last evaluated: 2022-12-09. Review status: criteria provided, single submitter. Criteria: GeneDx Variant Classification Process June 2021. Collection method: clinical testing. Allele origin: germline. Affected: yes.
Comment: In-frame insertion of 1 amino acid in a non-repeat region; Not observed at significant frequency in large population cohorts (gnomAD); Has not been previously published as pathogenic or benign to our knowledge; In silico analysis supports that this variant does not alter protein structure/function

NM_004408.4(DNM1):c.2197_2199dup (p.His733_Ala734insHis)

Gene: DNM1 (dynamin 1; plus strand). Cytogenetic location: 9q34.11.
Variant type: Duplication.
Coding change: c.2197_2199dup on transcript NM_004408.4 (MANE Select); coding-DNA positions 2197 to 2199, 3 bases duplicated (CAC; older notation c.2197_2199dupCAC).
Protein change: p.His733_Ala734insHis.
Molecular consequence: inframe insertion.
Genome position (GRCh38, 1-based): chr9:128,250,235-128,250,237, CAC duplicated; duplicating any 3 consecutive bases within chr9:128,250,233-128,250,237 gives the same sequence; the c. name uses the placement nearest the transcript's 3' end. VCF-style (leftmost placement, unchanged base first): chr9-128250232-T-TACC. GRCh37 (hg19) VCF-style: chr9-131012511-T-TACC.
Other names: c.2197_2199dup, p.His733_Ala734insHis (NM_001005336.3, NM_001288737.2, NM_001288738.2 and 2 more transcripts).
Identifiers: ClinVar variation 2505052 (VCV002505052.1), dbSNP rs2539123017, ClinGen allele CA2573332298.
Genomic context (GRCh38, chr9:128,250,232, plus strand): 5'-AACACGCTGATGGAGGAGTCGGCGGAGCAGGCACAGCGGCGCGACGAGATGCTGCGCATG[T>TACC]ACCACGCACTGAAGGAGGCGCTCAGCATCATCGGCGACATCAACACGACCACCGTCAGCA-3'